The following is an entry in ClinVar:

ClinVar aggregate classification (germline): Uncertain significance (1 of 4 stars; one submission).

Submission:

GeneDx
Classification: Uncertain significance. Last evaluated: 2026-03-30. Review status: criteria provided, single submitter. Criteria: GeneDx Variant Classification Process June 2021. Collection method: clinical testing. Allele origin: germline.
Comment: Intronic +5 splice site variant in a gene for which loss of function is a known mechanism of disease, and both splice predictors and evolutionary conservation support a deleterious effect, although in the absence of functional evidence the actual effect of this sequence change is unknown.; Has not been previously published as pathogenic or benign to our knowledge

NM_001190.4(BCAT2):c.1065+5G>A

Gene: BCAT2 (branched chain amino acid transaminase 2; minus strand). Cytogenetic location: 19q13.33.
Variant type: single nucleotide variant.
Coding change: c.1065+5G>A on transcript NM_001190.4 (MANE Select); 5 bases into the intron after coding-DNA position 1065, G replaced by A.
Molecular consequence: intron variant.
Genome position (GRCh38, 1-based): chr19:48,796,573, C>T on the plus strand (G>A on the coding strand, the complement: BCAT2 is on the minus strand). VCF-style: chr19-48796573-C-T. GRCh37 (hg19) VCF-style: chr19-49299830-C-T.
Other names: c.789+5G>A (NM_001164773.2); c.945+5G>A (NM_001284325.2).
Identifiers: ClinVar variation 5017907 (VCV005017907.1).